The following is an entry in ClinVar:

ClinVar aggregate classification (germline): Uncertain significance (1 of 4 stars; one submission).

Submission:

Labcorp Genetics (formerly Invitae), Labcorp
Classification: Uncertain significance. Last evaluated: 2025-07-13. Review status: criteria provided, single submitter. Criteria: Invitae Variant Classification Sherloc (09022015). Collection method: clinical testing. Allele origin: germline.
Comment: This variant, c.8524_8526del, results in the deletion of 1 amino acid(s) of the CELSR2 protein (p.Lys2842del), but otherwise preserves the integrity of the reading frame. This variant is present in population databases (rs756748774, gnomAD 0.009%). This variant has not been reported in the literature in individuals affected with CELSR2-related conditions. Experimental studies and prediction algorithms are not available or were not evaluated, and the functional significance of this variant is currently unknown. In summary, the available evidence is currently insufficient to determine the role of this variant in disease. Therefore, it has been classified as a Variant of Uncertain Significance.

NM_001408.3(CELSR2):c.8518AAG[2] (p.Lys2842del)

Gene: CELSR2 (cadherin EGF LAG seven-pass G-type receptor 2; plus strand). Cytogenetic location: 1p13.3.
Variant type: Microsatellite.
Coding change: c.8518AAG[2] on transcript NM_001408.3 (MANE Select); two copies in a row of the 3-base unit AAG starting at c.8518; the reference has three copies in a row; one copy, 3 bases deleted.
Protein change: p.Lys2842del; deletes lysine 2842.
Molecular consequence: inframe deletion.
Genome position (GRCh38, 1-based): chr1:109,273,450-109,273,452, AAG deleted; deleting any 3 consecutive bases within chr1:109,273,444-109,273,452 gives the same sequence; the position shown is the placement nearest the transcript's 3' end. VCF-style (leftmost placement, unchanged base first): chr1-109273443-TAAG-T. GRCh37 (hg19) VCF-style: chr1-109816065-TAAG-T.
Other names: short protein forms K2842del.
Identifiers: ClinVar variation 4738644 (VCV004738644.1).